The following is an entry in ClinVar:

ClinVar aggregate classification (germline): Uncertain significance. Review status: criteria provided, multiple submitters, no conflicts (2 of 4 stars). 2 submissions from 2 submitters: Uncertain significance (2). Last evaluated 2025-10-01.

Conditions:
Hereditary nonpolyposis colorectal neoplasms. Identifiers: MedGen C0009405, MeSH D003123.
Hereditary cancer-predisposing syndrome. Also called: Hereditary Cancer Syndrome; Neoplastic Syndromes, Hereditary; Tumor predisposition; Hereditary neoplastic syndrome. Identifiers: Orphanet 140162, MedGen C0027672, MeSH D009386, MONDO:0015356.

Submissions (2):

Ambry Genetics
Classification: Uncertain significance for Hereditary cancer-predisposing syndrome. Last evaluated: 2025-10-01. Review status: criteria provided, single submitter. Criteria: Ambry Variant Classification Scheme 2023. Collection method: clinical testing. Allele origin: germline.
Comment: The p.P590T variant (also known as c.1768C>A), located in coding exon 4 of the MSH6 gene, results from a C to A substitution at nucleotide position 1768. The proline at codon 590 is replaced by threonine, an amino acid with highly similar properties. This amino acid position is not well conserved in available vertebrate species. In addition, this alteration is predicted to be tolerated by in silico analysis. Based on the available evidence, the clinical significance of this variant remains unclear.

Labcorp Genetics (formerly Invitae), Labcorp
Classification: Uncertain significance for Hereditary nonpolyposis colorectal neoplasms. Last evaluated: 2025-06-15. Review status: criteria provided, single submitter. Criteria: Invitae Variant Classification Sherloc (09022015). Collection method: clinical testing. Allele origin: germline.
Comment: This sequence change replaces proline, which is neutral and non-polar, with threonine, which is neutral and polar, at codon 590 of the MSH6 protein (p.Pro590Thr). This variant is not present in population databases (gnomAD no frequency). This variant has not been reported in the literature in individuals affected with MSH6-related conditions. ClinVar contains an entry for this variant (Variation ID: 480922). Invitae Evidence Modeling of protein sequence and biophysical properties (such as structural, functional, and spatial information, amino acid conservation, physicochemical variation, residue mobility, and thermodynamic stability) indicates that this missense variant is not expected to disrupt MSH6 protein function with a negative predictive value of 95%. In summary, the available evidence is currently insufficient to determine the role of this variant in disease. Therefore, it has been classified as a Variant of Uncertain Significance.

NM_000179.3(MSH6):c.1768C>A (p.Pro590Thr)

Gene: MSH6 (mutS homolog 6; plus strand). Cytogenetic location: 2p16.3.
Variant type: single nucleotide variant.
Coding change: c.1768C>A on transcript NM_000179.3 (MANE Select); coding-DNA position 1768, C replaced by A.
Protein change: p.Pro590Thr; replaces proline 590 with threonine.
Molecular consequence: missense variant.
Genome position (GRCh38, 1-based): chr2:47,799,751, C>A. VCF-style: chr2-47799751-C-A. GRCh37 (hg19) VCF-style: chr2-48026890-C-A.
Other names: c.1378C>A, p.Pro460Thr (NM_001281492.2); c.862C>A, p.Pro288Thr (NM_001281493.2, NM_001281494.2); short protein forms P590T, P288T, P460T.
Identifiers: ClinVar variation 480922 (VCV000480922.15), dbSNP rs1553413153, ClinGen allele CA346749121.
Genomic context (GRCh38, chr2:47,799,751, plus strand): 5'-ATAGGTCAGTTTTCAGATGATCGCCATTGTTCGAGATTTAGGACTCTAGTGGCACACTAT[C>A]CCCCAGTACAAGTTTTATTTGAAAAAGGAAATCTCTCAAAGGAAACTAAAACAATTCTAA-3'
Protein context (NP_000170.1, residues 580-600): SRFRTLVAHY[Pro590Thr]PVQVLFEKGN